The following is an entry in ClinVar:

NM_020338.4(ZMIZ1):c.2314C>A (p.Leu772Met)

Genes: ZMIZ1 (zinc finger MIZ-type containing 1; plus strand), LOC126860975 (CDK7 strongly-dependent group 2 enhancer GRCh37_chr10:81064163-81065362; plus strand). Cytogenetic location: 10q22.3.
Variant type: single nucleotide variant.
Coding change: c.2314C>A on transcript NM_020338.4 (MANE Select); coding-DNA position 2314, C replaced by A.
Protein change: p.Leu772Met; replaces leucine 772 with methionine.
Molecular consequence: missense variant.
Genome position (GRCh38, 1-based): chr10:79,305,191, C>A. VCF-style: chr10-79305191-C-A. GRCh37 (hg19) VCF-style: chr10-81064948-C-A.
Other names: short protein forms L772M.
Identifiers: ClinVar variation 3686674 (VCV003686674.2).
Genomic context (GRCh38, chr10:79,305,191, plus strand): 5'-TGGTCTCACCTGTGTCTGTCTGTCTGTCTGCAGTGCTTTGATCTGGAGTCATACCTGCAG[C>A]TGAATTGCGAGAGAGGGACCTGGAGGTGTCCTGTGTGCAAGTGAGTGATGCCCACCCCGG-3'
Protein context (NP_065071.1, residues 762-782): QCFDLESYLQ[Leu772Met]NCERGTWRCP

ClinVar aggregate classification (germline): Uncertain significance (1 of 4 stars; one submission).

gnomAD v4.1: 9 of 1,614,026 alleles (0.00056%); highest among the groups gnomAD compares: African/African-American, 0.011%; no homozygotes.

Submission:

Labcorp Genetics (formerly Invitae), Labcorp
Classification: Uncertain significance. Last evaluated: 2024-10-16. Review status: criteria provided, single submitter. Criteria: Invitae Variant Classification Sherloc (09022015). Collection method: clinical testing. Allele origin: germline.
Comment: This sequence change replaces leucine, which is neutral and non-polar, with methionine, which is neutral and non-polar, at codon 772 of the ZMIZ1 protein (p.Leu772Met). This variant is not present in population databases (gnomAD no frequency). This variant has not been reported in the literature in individuals affected with ZMIZ1-related conditions. Invitae Evidence Modeling of protein sequence and biophysical properties (such as structural, functional, and spatial information, amino acid conservation, physicochemical variation, residue mobility, and thermodynamic stability) indicates that this missense variant is not expected to disrupt ZMIZ1 protein function with a negative predictive value of 95%. In summary, the available evidence is currently insufficient to determine the role of this variant in disease. Therefore, it has been classified as a Variant of Uncertain Significance.